The following is an entry in ClinVar:

ClinVar aggregate classification (germline): Uncertain significance (1 of 4 stars; one submission).

Conditions:
Dyskeratosis congenita. Identifiers: Orphanet 1775, MedGen C0265965, MONDO:0015780.

Allele frequency attached by ClinVar (database versions not stated): gnomAD exomes below 0.00001.
gnomAD v4.1: 1 of 1,567,764 alleles (0.000064%); highest among the groups gnomAD compares: East Asian, 0.0023%; no homozygotes.

Submission:

Ambry Genetics
Classification: Uncertain significance for Dyskeratosis congenita. Last evaluated: 2022-08-29. Review status: criteria provided, single submitter. Criteria: Ambry Variant Classification Scheme 2023. Collection method: clinical testing. Allele origin: germline.
Comment: The p.G406V variant (also known as c.1217G>T), located in coding exon 2 of the TERT gene, results from a G to T substitution at nucleotide position 1217. The glycine at codon 406 is replaced by valine, an amino acid with dissimilar properties. This amino acid position is conserved. In addition, this alteration is predicted to be tolerated by in silico analysis. Since supporting evidence is limited at this time, the clinical significance of this alteration remains unclear.

NM_198253.3(TERT):c.1217G>T (p.Gly406Val)

Gene: TERT (telomerase reverse transcriptase; minus strand). Cytogenetic location: 5p15.33.
Variant type: single nucleotide variant.
Coding change: c.1217G>T on transcript NM_198253.3 (MANE Select); coding-DNA position 1217, G replaced by T.
Protein change: p.Gly406Val; replaces glycine 406 with valine.
Molecular consequence: missense variant. On other transcripts: non-coding transcript variant (2).
Genome position (GRCh38, 1-based): chr5:1,293,669, C>A on the plus strand (G>T on the coding strand, the complement: TERT is on the minus strand). VCF-style: chr5-1293669-C-A. GRCh37 (hg19) VCF-style: chr5-1293784-C-A.
Other names: c.1217G>T, p.Gly406Val (NM_001193376.3, NM_003219.1); short protein forms G406V.
Identifiers: ClinVar variation 1752070 (VCV001752070.2), dbSNP rs2478413025, ClinGen allele CA359086507.